The following is an entry in ClinVar:

NM_198428.3(BBS9):c.1723G>A (p.Val575Met)

Gene: BBS9 (Bardet-Biedl syndrome 9; plus strand). Cytogenetic location: 7p14.3.
Variant type: single nucleotide variant.
Coding change: c.1723G>A on transcript NM_198428.3 (MANE Select); coding-DNA position 1723, G replaced by A.
Protein change: p.Val575Met; replaces valine 575 with methionine.
Molecular consequence: missense variant. On other transcripts: non-coding transcript variant (3).
Genome position (GRCh38, 1-based): chr7:33,367,796, G>A. VCF-style: chr7-33367796-G-A. GRCh37 (hg19) VCF-style: chr7-33407408-G-A.
Other names: c.1618G>A, p.Val540Met (NM_001033604.2); c.1708G>A, p.Val570Met (NM_001033605.2); c.1723G>A, p.Val575Met (NM_001348036.1, NM_001348041.4, NM_001348043.3 and 1 more transcripts); c.1357G>A, p.Val453Met (NM_001348037.3, NM_001348045.3, NM_001348046.3); c.1450G>A, p.Val484Met (NM_001348038.3); c.1345G>A, p.Val449Met (NM_001348039.3); c.1603G>A, p.Val535Met (NM_001348040.3, NM_014451.4); c.1588G>A, p.Val530Met (NM_001348042.3); and 1 more; short protein forms V449M, V540M, V530M, V535M, V570M, V575M, V418M, V453M.
Identifiers: ClinVar variation 4998204 (VCV004998204.1).

ClinVar aggregate classification (germline): Uncertain significance (1 of 4 stars; one submission).

Conditions:
BBS9-related disorder. Also called: BBS9-related condition.

Submission:

PreventionGenetics, part of Exact Sciences
Classification: Uncertain significance for BBS9-related condition. Last evaluated: 2026-06-16. Review status: criteria provided, single submitter. Criteria: ACMG Guidelines, 2015. Collection method: clinical testing. Allele origin: germline.
Comment: The BBS9 c.1723G>A variant is predicted to result in the amino acid substitution p.Val575Met. To our knowledge, this variant has not been reported in the literature. This variant is reported in 0.0099% of alleles in individuals of Ashkenazi Jewish descent in gnomAD. At this time, the clinical significance of this variant is uncertain due to the absence of conclusive functional and genetic evidence.